The following is an entry in ClinVar:

NM_020937.4(FANCM):c.4501C>A (p.Gln1501Lys)

Gene: FANCM (FA complementation group M; plus strand). Cytogenetic location: 14q21.2.
Variant type: single nucleotide variant.
Coding change: c.4501C>A on transcript NM_020937.4 (MANE Select); coding-DNA position 4501, C replaced by A.
Protein change: p.Gln1501Lys; replaces glutamine 1501 with lysine.
Molecular consequence: missense variant.
Genome position (GRCh38, 1-based): chr14:45,183,888, C>A. VCF-style: chr14-45183888-C-A. GRCh37 (hg19) VCF-style: chr14-45653091-C-A.
Other names: c.4423C>A, p.Gln1475Lys (NM_001308133.2); c.4501C>A (NM_020937.2); short protein forms Q1475K, Q1501K.
Identifiers: ClinVar variation 1518789 (VCV001518789.8), dbSNP rs755947203, ClinGen allele CA259634130.

ClinVar aggregate classification (germline): Uncertain significance. Review status: criteria provided, multiple submitters, no conflicts (2 of 4 stars). 3 submissions from 3 submitters: Uncertain significance (3). Last evaluated 2023-03-20.

Conditions:
Fanconi anemia (FA). Also called: Fanconi's anemia. Identifiers: Orphanet 84, MedGen C0015625, MeSH D005199, MONDO:0019391.
Spermatogenic failure 28. Identifiers: MedGen C4748117, MONDO:0054732, OMIM 618086.
Premature ovarian failure 15. Identifiers: MedGen C4748170, MONDO:0054862, OMIM 618096.

gnomAD v4.1: 2 of 1,610,020 alleles (0.00012%); highest among the groups gnomAD compares: Non-Finnish European, 0.00017%; no homozygotes.

Submissions (3):

Labcorp Genetics (formerly Invitae), Labcorp
Classification: Uncertain significance for Fanconi anemia. Last evaluated: 2023-03-20. Review status: criteria provided, single submitter. Criteria: Invitae Variant Classification Sherloc (09022015). Collection method: clinical testing. Allele origin: germline.
Comment: This variant is not present in population databases (gnomAD no frequency). This sequence change replaces glutamine, which is neutral and polar, with lysine, which is basic and polar, at codon 1501 of the FANCM protein (p.Gln1501Lys). This variant has not been reported in the literature in individuals affected with FANCM-related conditions. In summary, the available evidence is currently insufficient to determine the role of this variant in disease. Therefore, it has been classified as a Variant of Uncertain Significance. Algorithms developed to predict the effect of missense changes on protein structure and function output the following: SIFT: "Not Available"; PolyPhen-2: "Benign"; Align-GVGD: "Not Available". The lysine amino acid residue is found in multiple mammalian species, which suggests that this missense change does not adversely affect protein function. ClinVar contains an entry for this variant (Variation ID: 1518789).

GeneDx
Classification: Uncertain significance. Last evaluated: 2022-07-08. Review status: criteria provided, single submitter. Criteria: GeneDx Variant Classification Process June 2021. Collection method: clinical testing. Allele origin: germline. Affected: yes.
Comment: In silico analysis supports that this missense variant does not alter protein structure/function; Has not been previously published as pathogenic or benign to our knowledge

Fulgent Genetics
Classification: Uncertain significance for Spermatogenic failure 28; Premature ovarian failure 15. Last evaluated: 2022-04-21. Review status: criteria provided, single submitter. Criteria: ACMG Guidelines, 2015. Collection method: clinical testing. Allele origin: unknown.